The following is an entry in ClinVar:

ClinVar aggregate classification (germline): Uncertain significance (1 of 4 stars; one submission).

Conditions:
Severe combined immunodeficiency due to DNA-PKcs deficiency. Also called: IMMUNODEFICIENCY 26 WITH NEUROLOGIC ABNORMALITIES; Immunodeficiency 26 with or without neurologic abnormalities. Identifiers: Orphanet 317425, MedGen C4014833, MONDO:0014423, OMIM 615966.

Allele frequency attached by ClinVar (database versions not stated): TOPMed 0.00009; gnomAD 0.00029.
gnomAD v4.1: 144 of 1,613,872 alleles (0.0089%); highest among the groups gnomAD compares: East Asian, 0.027%; no homozygotes.

Submission:

Labcorp Genetics (formerly Invitae), Labcorp
Classification: Uncertain significance for Severe combined immunodeficiency due to DNA-PKcs deficiency. Last evaluated: 2024-11-07. Review status: criteria provided, single submitter. Criteria: Invitae Variant Classification Sherloc (09022015). Collection method: clinical testing. Allele origin: germline.
Comment: This sequence change replaces alanine, which is neutral and non-polar, with glycine, which is neutral and non-polar, at codon 1619 of the PRKDC protein (p.Ala1619Gly). This variant is present in population databases (rs56182356, gnomAD 0.06%). This variant has not been reported in the literature in individuals affected with PRKDC-related conditions. ClinVar contains an entry for this variant (Variation ID: 654909). Invitae Evidence Modeling of protein sequence and biophysical properties (such as structural, functional, and spatial information, amino acid conservation, physicochemical variation, residue mobility, and thermodynamic stability) indicates that this missense variant is expected to disrupt PRKDC protein function with a positive predictive value of 80%. In summary, the available evidence is currently insufficient to determine the role of this variant in disease. Therefore, it has been classified as a Variant of Uncertain Significance.

NM_006904.7(PRKDC):c.4856C>G (p.Ala1619Gly)

Gene: PRKDC (protein kinase, DNA-activated, catalytic subunit; minus strand). Cytogenetic location: 8q11.21.
Variant type: single nucleotide variant.
Coding change: c.4856C>G on transcript NM_006904.7 (MANE Select); coding-DNA position 4856, C replaced by G.
Protein change: p.Ala1619Gly; replaces alanine 1619 with glycine.
Molecular consequence: missense variant.
Genome position (GRCh38, 1-based): chr8:47,882,018, G>C on the plus strand (C>G on the coding strand, the complement: PRKDC is on the minus strand). VCF-style: chr8-47882018-G-C. GRCh37 (hg19) VCF-style: chr8-48794579-G-C.
Other names: c.4856C>G, p.Ala1619Gly (NM_001081640.2); short protein forms A1619G.
Identifiers: ClinVar variation 654909 (VCV000654909.7), dbSNP rs56182356, ClinGen allele CA4740778.